The following is an entry in ClinVar:

ClinVar aggregate classification (germline): Benign (1 of 4 stars; one submission).

Conditions:
Pitt-Hopkins syndrome (PTHS). Also called: ENCEPHALOPATHY, SEVERE EPILEPTIC, WITH AUTONOMIC DYSFUNCTION; MENTAL RETARDATION, SYNDROMAL, WITH INTERMITTENT HYPERVENTILATION. Identifiers: Orphanet 2896, MedGen C1970431, MONDO:0012589, OMIM 610954.

Allele frequency attached by ClinVar (database versions not stated): gnomAD exomes 0.00047; 1000 Genomes Project 0.00080; gnomAD 0.00137 and 0.00175; TOPMed 0.00229; 1000 Genomes Project 30x 0.00578.
gnomAD v4.1: 727 of 1,024,720 alleles (0.071%); highest among the groups gnomAD compares: East Asian, 3.8%; 11 homozygotes.

Submission:

Illumina Laboratory Services, Illumina
Classification: Benign for Pitt-Hopkins syndrome. Last evaluated: 2018-01-13. Review status: criteria provided, single submitter. Criteria: ICSL Variant Classification Criteria 13 December 2019. Collection method: clinical testing. Allele origin: germline.
Comment: This variant was observed in the ICSL laboratory as part of a predisposition screen in an ostensibly healthy population. It had not been previously curated by ICSL or reported in the Human Gene Mutation Database (HGMD: prior to June 1st, 2018), and was therefore a candidate for classification through an automated scoring system. Utilizing variant allele frequency, disease prevalence and penetrance estimates, and inheritance mode, an automated score was calculated to assess if this variant is too frequent to cause the disease. Based on the score and internal cut-off values, a variant classified as benign is not then subjected to further curation. The score for this variant resulted in a classification of benign for this disease.

NM_001083962.2(TCF4):c.-87G>A

Gene: TCF4 (transcription factor 4; minus strand). Cytogenetic location: 18q21.2.
Variant type: single nucleotide variant.
Coding change: c.-87G>A on transcript NM_001083962.2 (MANE Select); 87 bases upstream of the start codon, G replaced by A.
Molecular consequence: 5 prime UTR variant. On other transcripts: intron variant (14).
Genome position (GRCh38, 1-based): chr18:55,588,104, C>T on the plus strand (G>A on the coding strand, the complement: TCF4 is on the minus strand). VCF-style: chr18-55588104-C-T. GRCh37 (hg19) VCF-style: chr18-53255335-C-T.
Other names: c.-87G>A (NM_001330604.3, NM_001369570.1, NM_001369573.1 and 2 more transcripts); c.-67G>A (NM_001369575.1, NM_001369578.1, NM_001369579.1 and 2 more transcripts); c.287-968G>A (NM_001243226.3); c.-1+1193G>A (NM_001369584.1, NM_001369576.1, NM_001369577.1 and 3 more transcripts); c.-20-968G>A (NM_001369571.1, NM_001369567.1, NM_001243228.2); c.66+366G>A (NM_001243230.2); c.-21+366G>A (NM_001369569.1, NM_001369572.1, NM_001369568.1).
Identifiers: ClinVar variation 889478 (VCV000889478.4), dbSNP rs533414588, ClinGen allele CA301182146.